The following is an entry in ClinVar:

ClinVar aggregate classification (germline): Likely pathogenic (1 of 4 stars; one submission).

Conditions:
LAMA2-related muscular dystrophy (LAMA2-RD). Also called: Laminin alpha 2-related dystrophy. Identifiers: MedGen C5679788, MONDO:0100228.

Submission:

Myriad Genetics, Inc.
Classification: Likely pathogenic for LAMA2-related muscular dystrophy. Last evaluated: 2020-01-29. Review status: criteria provided, single submitter. Criteria: Myriad Autosomal Dominant, Autosomal Recessive and X-Linked Classification Criteria (2023). Collection method: clinical testing. Allele origin: unknown.
Comment: NM_000426.3(LAMA2):c.6449C>A(S2150*) is expected to be pathogenic in the context of LAMA2-related muscular dystrophy. This variant is predicted to lead to an abnormal or absent protein product due to the creation of a premature termination codon in LAMA2, a gene where loss-of-function variants are known to be pathogenic. Please note: this variant was assessed in the context of healthy population screening.

NM_000426.4(LAMA2):c.6449C>A (p.Ser2150Ter)

Gene: LAMA2 (laminin subunit alpha 2; plus strand). Cytogenetic location: 6q22.33.
Variant type: single nucleotide variant.
Coding change: c.6449C>A on transcript NM_000426.4 (MANE Select); coding-DNA position 6449, C replaced by A.
Protein change: p.Ser2150Ter; replaces serine 2150 with a stop codon.
Molecular consequence: nonsense.
Genome position (GRCh38, 1-based): chr6:129,453,007, C>A. VCF-style: chr6-129453007-C-A. GRCh37 (hg19) VCF-style: chr6-129774152-C-A.
Other names: c.6449C>A, p.Ser2150Ter (NM_001079823.2); short protein forms S2150*.
Identifiers: ClinVar variation 984212 (VCV000984212.4), dbSNP rs1782761474, ClinGen allele CA365616397.